The following is an entry in ClinVar:

NM_000313.4(PROS1):c.1675A>C (p.Ile559Leu)

Gene: PROS1 (protein S; minus strand). Cytogenetic location: 3q11.1.
Variant type: single nucleotide variant.
Coding change: c.1675A>C on transcript NM_000313.4 (MANE Select); coding-DNA position 1675, A replaced by C.
Protein change: p.Ile559Leu; replaces isoleucine 559 with leucine.
Molecular consequence: missense variant.
Genome position (GRCh38, 1-based): chr3:93,877,161, T>G on the plus strand (A>C on the coding strand, the complement: PROS1 is on the minus strand). VCF-style: chr3-93877161-T-G. GRCh37 (hg19) VCF-style: chr3-93596005-T-G.
Other names: c.1771A>C, p.Ile591Leu (NM_001314077.2); short protein forms I559L, I591L.
Identifiers: ClinVar variation 4991920 (VCV004991920.1).

ClinVar aggregate classification (germline): Uncertain significance (1 of 4 stars; one submission).

Conditions:
PROS1-related disorder. Also called: PROS1-related condition.

Submission:

PreventionGenetics, part of Exact Sciences
Classification: Uncertain significance for PROS1-related condition. Last evaluated: 2025-09-02. Review status: criteria provided, single submitter. Criteria: ACMG Guidelines, 2015. Collection method: clinical testing. Allele origin: germline.
Comment: The PROS1 c.1675A>C variant is predicted to result in the amino acid substitution p.Ile559Leu. To our knowledge, this variant has not been reported in the literature or in a large population database (gnomAD), indicating this variant is rare. At this time, the clinical significance of this variant is uncertain due to the absence of conclusive functional and genetic evidence.